The following is an entry in ClinVar:

NM_024642.5(GALNT12):c.675C>T (p.Thr225=)

Gene: GALNT12 (polypeptide N-acetylgalactosaminyltransferase 12; plus strand). Cytogenetic location: 9q22.33.
Variant type: single nucleotide variant.
Coding change: c.675C>T on transcript NM_024642.5 (MANE Select); coding-DNA position 675, C replaced by T.
Protein change: p.Thr225=; no amino-acid change (threonine 225 retained).
Molecular consequence: synonymous variant.
Genome position (GRCh38, 1-based): chr9:98,826,885, C>T. VCF-style: chr9-98826885-C-T. GRCh37 (hg19) VCF-style: chr9-101589167-C-T.
Identifiers: ClinVar variation 416217 (VCV000416217.16), dbSNP rs765213957, ClinGen allele CA5154020.

ClinVar aggregate classification (germline): Benign/Likely benign. Review status: criteria provided, multiple submitters, no conflicts (2 of 4 stars). 4 submissions from 4 submitters: Benign (1); Likely benign (3). Last evaluated 2026-04-24.

Conditions:
Colorectal cancer, susceptibility to, 1. Also called: COLORECTAL ADENOMA AND CANCER, SUSCEPTIBILITY TO; COLORECTAL CANCER, SUSCEPTIBILITY TO, ON CHROMOSOME 9. Identifiers: MedGen C1837315, MONDO:0012132, OMIM 608812.

Allele frequency attached by ClinVar (database versions not stated): gnomAD 0.00001; TOPMed 0.00001; ExAC 0.00002; gnomAD exomes 0.00002.
gnomAD v4.1: 33 of 1,589,286 alleles (0.0021%); highest among the groups gnomAD compares: Non-Finnish European, 0.0027%; no homozygotes.

Submissions (4):

Myriad Genetics, Inc.
Classification: Benign for Colorectal cancer, susceptibility to, 1. Last evaluated: 2026-04-24. Review status: criteria provided, single submitter. Criteria: Myriad Autosomal Dominant, Autosomal Recessive and X-Linked Classification Criteria (2023). Collection method: clinical testing. Allele origin: unknown.
Comment: This variant is considered benign. This variant is a silent/synonymous amino acid change and it is not expected to impact splicing.

Labcorp Genetics (formerly Invitae), Labcorp
Classification: Likely benign. Last evaluated: 2025-06-27. Review status: criteria provided, single submitter. Criteria: Invitae Variant Classification Sherloc (09022015). Collection method: clinical testing. Allele origin: germline.

Blueprint Genetics
Classification: Likely benign. Last evaluated: 2024-10-16. Review status: criteria provided, single submitter. Criteria: ACMG Guidelines, 2015. Collection method: clinical testing. Allele origin: germline.

Ambry Genetics
Classification: Likely benign. Last evaluated: 2020-02-11. Review status: criteria provided, single submitter. Criteria: Ambry Variant Classification Scheme 2023. Collection method: clinical testing. Allele origin: germline.